The following is an entry in ClinVar:

NM_199420.4(POLQ):c.5133T>A (p.Asn1711Lys)

Gene: POLQ (DNA polymerase theta; minus strand). Cytogenetic location: 3q13.33.
Variant type: single nucleotide variant.
Coding change: c.5133T>A on transcript NM_199420.4 (MANE Select); coding-DNA position 5133, T replaced by A.
Protein change: p.Asn1711Lys; replaces asparagine 1711 with lysine.
Molecular consequence: missense variant.
Genome position (GRCh38, 1-based): chr3:121,487,798, A>T on the plus strand (T>A on the coding strand, the complement: POLQ is on the minus strand). VCF-style: chr3-121487798-A-T. GRCh37 (hg19) VCF-style: chr3-121206645-A-T.
Other names: short protein forms N1711K.
Identifiers: ClinVar variation 2497194 (VCV002497194.2), dbSNP rs750606149, ClinGen allele CA2562786.
Genomic context (GRCh38, chr3:121,487,798, plus strand): 5'-ATCATCAACTATATTACTTTCTTTACGAGGTAAGAGGGATGAGGTTTCATCATGATTGGC[A>T]TTGTTTTCTAGCATCTCAATCTTGCTTTTTACTTCATTATTAGAAGAAAATGAAATTCCC-3'
Protein context (NP_955452.3, residues 1701-1721): VKSKIEMLEN[Asn1711Lys]ANHDETSSLL

ClinVar aggregate classification (germline): Uncertain significance (1 of 4 stars; one submission).

Allele frequency attached by ClinVar (database versions not stated): ExAC 0.00002.
gnomAD v4.1: 4 of 1,610,222 alleles (0.00025%); highest among the groups gnomAD compares: African/African-American, 0.0054%; no homozygotes.

Submission:

Ambry Genetics
Classification: Uncertain significance. Last evaluated: 2022-11-25. Review status: criteria provided, single submitter. Criteria: Ambry Variant Classification Scheme 2023. Collection method: clinical testing. Allele origin: germline.
Comment: The p.N1711K variant (also known as c.5133T>A), located in coding exon 16 of the POLQ gene, results from a T to A substitution at nucleotide position 5133. The asparagine at codon 1711 is replaced by lysine, an amino acid with similar properties. This amino acid position is conserved. In addition, this alteration is predicted to be tolerated by in silico analysis. Since supporting evidence is limited at this time, the clinical significance of this alteration remains unclear.